The following is an entry in ClinVar:

NM_001194998.2(CEP152):c.566C>A (p.Pro189Gln)

Gene: CEP152 (centrosomal protein 152; minus strand). Cytogenetic location: 15q21.1.
Variant type: single nucleotide variant.
Coding change: c.566C>A on transcript NM_001194998.2 (MANE Select); coding-DNA position 566, C replaced by A.
Protein change: p.Pro189Gln; replaces proline 189 with glutamine.
Molecular consequence: missense variant.
Genome position (GRCh38, 1-based): chr15:48,796,135, G>T on the plus strand (C>A on the coding strand, the complement: CEP152 is on the minus strand). VCF-style: chr15-48796135-G-T. GRCh37 (hg19) VCF-style: chr15-49088332-G-T.
Other names: c.566C>A, p.Pro189Gln (NM_014985.4); short protein forms P189Q.
Identifiers: ClinVar variation 2196906 (VCV002196906.2), dbSNP rs201999798, ClinGen allele CA7549092.
Genomic context (GRCh38, chr15:48,796,135, plus strand): 5'-GCTGGTGAGCCATTATTCTGGGCAGAAGACTGATAAGGTTTATATGTCACTTTATTATAC[G>T]GTTCCAAACCTTGACAACTGGGACCCTGTGATAACAAATGAAACTGACAATTAAGATTTG-3'
Protein context (NP_001181927.1, residues 179-199): FQGPSCQGLE[Pro189Gln]YNKVTYKPYQ

ClinVar aggregate classification (germline): Uncertain significance (1 of 4 stars; one submission).

Allele frequency attached by ClinVar (database versions not stated): ExAC 0.00003.
gnomAD v4.1: 20 of 1,613,452 alleles (0.0012%); highest among the groups gnomAD compares: Admixed American, 0.025%; no homozygotes.

Submission:

Labcorp Genetics (formerly Invitae), Labcorp
Classification: Uncertain significance. Last evaluated: 2024-02-05. Review status: criteria provided, single submitter. Criteria: Invitae Variant Classification Sherloc (09022015). Collection method: clinical testing. Allele origin: germline.
Comment: This sequence change replaces proline, which is neutral and non-polar, with glutamine, which is neutral and polar, at codon 189 of the CEP152 protein (p.Pro189Gln). This variant is present in population databases (rs201999798, gnomAD 0.03%). This variant has not been reported in the literature in individuals affected with CEP152-related conditions. ClinVar contains an entry for this variant (Variation ID: 2196906). Advanced modeling of protein sequence and biophysical properties (such as structural, functional, and spatial information, amino acid conservation, physicochemical variation, residue mobility, and thermodynamic stability) performed at Invitae indicates that this missense variant is not expected to disrupt CEP152 protein function with a negative predictive value of 80%. In summary, the available evidence is currently insufficient to determine the role of this variant in disease. Therefore, it has been classified as a Variant of Uncertain Significance.